The following is an entry in ClinVar:

NM_001853.4(COL9A3):c.1603G>A (p.Glu535Lys)

Genes: COL9A3 (collagen type IX alpha 3 chain; plus strand), LOC126863084 (MED14-independent group 3 enhancer GRCh37_chr20:61467141-61468340; plus strand). Cytogenetic location: 20q13.33.
Variant type: single nucleotide variant.
Coding change: c.1603G>A on transcript NM_001853.4 (MANE Select); coding-DNA position 1603, G replaced by A.
Protein change: p.Glu535Lys; replaces glutamic acid 535 with lysine.
Molecular consequence: missense variant.
Genome position (GRCh38, 1-based): chr20:62,836,532, G>A. VCF-style: chr20-62836532-G-A. GRCh37 (hg19) VCF-style: chr20-61467884-G-A.
Other names: short protein forms E535K.
Identifiers: ClinVar variation 3696537 (VCV003696537.3).
Genomic context (GRCh38, chr20:62,836,532, plus strand): 5'-TTCCAGGGGAAGGAGGCCAGCGAGCAGCGCATCAGGGAGCTGTGTGGGGGGATGATCAGC[G>A]GTAAGTCAGCCACGTGCACCGGCTGCAGCGGGGCCCATCCCCGCCTGGGGGTCCCGTGCC-3'
Protein context (NP_001844.3, residues 525-545): IRELCGGMIS[Glu535Lys]QIAQLAAHLR

ClinVar aggregate classification (germline): Uncertain significance (1 of 4 stars; one submission).

gnomAD v4.1: 4 of 1,609,876 alleles (0.00025%); highest among the groups gnomAD compares: East Asian, 0.0022%; no homozygotes.

Submissions (3):

Labcorp Genetics (formerly Invitae), Labcorp
Classification: Uncertain significance. Last evaluated: 2024-11-04. Review status: criteria provided, single submitter. Criteria: Invitae Variant Classification Sherloc (09022015). Collection method: clinical testing. Allele origin: germline.
Comment: This sequence change replaces glutamic acid, which is acidic and polar, with lysine, which is basic and polar, at codon 535 of the COL9A3 protein (p.Glu535Lys). This variant also falls at the last nucleotide of exon 29, which is part of the consensus splice site for this exon. The frequency data for this variant in the population databases is considered unreliable, as metrics indicate poor data quality at this position in the gnomAD database. This variant has not been reported in the literature in individuals affected with COL9A3-related conditions. An algorithm developed to predict the effect of missense changes on protein structure and function (PolyPhen-2) suggests that this variant is likely to be disruptive. Variants that disrupt the consensus splice site are a relatively common cause of aberrant splicing (PMID: 17576681, 9536098). Algorithms developed to predict the effect of sequence changes on RNA splicing suggest that this variant may disrupt the consensus splice site. In summary, the available evidence is currently insufficient to determine the role of this variant in disease. Therefore, it has been classified as a Variant of Uncertain Significance.

Dr. Peter K. Rogan Lab, Western University
No classification provided (evidence only). Condition: Hepatocellular carcinoma. Review status: no classification provided. Collection method: in vitro. Allele origin: not applicable. Functional consequence: skipped exon. Not counted in ClinVar's aggregate classification.

Dr. Peter K. Rogan Lab, Western University
No classification provided (evidence only). Condition: Gastric cancer. Review status: no classification provided. Collection method: in vitro. Allele origin: not applicable. Functional consequence: skipped exon. Not counted in ClinVar's aggregate classification.

Literature cited by the submitters: PubMed 17576681 (cited by Labcorp Genetics (formerly Invitae), Labcorp); PubMed 9536098 (cited by Labcorp Genetics (formerly Invitae), Labcorp).